The following is an entry in ClinVar:

NM_017849.4(TMEM127):c.559T>C (p.Ser187Pro)

Gene: TMEM127 (transmembrane protein 127; minus strand). Cytogenetic location: 2q11.2.
Variant type: single nucleotide variant.
Coding change: c.559T>C on transcript NM_017849.4 (MANE Select); coding-DNA position 559, T replaced by C.
Protein change: p.Ser187Pro; replaces serine 187 with proline.
Molecular consequence: missense variant.
Genome position (GRCh38, 1-based): chr2:96,253,966, A>G on the plus strand (T>C on the coding strand, the complement: TMEM127 is on the minus strand). VCF-style: chr2-96253966-A-G. GRCh37 (hg19) VCF-style: chr2-96919704-A-G.
Other names: c.559T>C, p.Ser187Pro (NM_001193304.3); c.307T>C, p.Ser103Pro (NM_001407282.1, NM_001407283.1); short protein forms S187P, S103P.
Identifiers: ClinVar variation 2005558 (VCV002005558.5), dbSNP rs2104284123, ClinGen allele CA347652363.
Genomic context (GRCh38, chr2:96,253,966, plus strand): 5'-CCTGCTCCTCTTCCTCTGTGGGGTAGTGGCGCAGGAGGTTGGCTGCCGTGGCCAGGATTG[A>G]GGCTCCACCAGCTCCTGCCACCAGGTAGAAGCTAACGGCGAAGGTGACATAGACCTGGGA-3'
Protein context (NP_060319.1, residues 177-197): FYLVAGAGGA[Ser187Pro]ILATAANLLR

ClinVar aggregate classification (germline): Uncertain significance. Review status: criteria provided, multiple submitters, no conflicts (2 of 4 stars). 2 submissions from 2 submitters: Uncertain significance (2). Last evaluated 2026-07-06.

Conditions:
Hereditary cancer-predisposing syndrome. Also called: Hereditary neoplastic syndrome; Neoplastic Syndromes, Hereditary; Tumor predisposition; Hereditary Cancer Syndrome. Identifiers: Orphanet 140162, MedGen C0027672, MeSH D009386, MONDO:0015356.
Hereditary pheochromocytoma and paraganglioma. Also called: Hereditary Paraganglioma-Pheochromocytoma Syndromes; Hereditary paragangliomas and pheochromocytomas; Hereditary pheochromocytoma-paraganglioma. Identifiers: Orphanet 29072, MedGen C4274332, MONDO:0017366.

Submissions (2):

Ambry Genetics
Classification: Uncertain significance for Hereditary cancer-predisposing syndrome. Last evaluated: 2026-07-06. Review status: criteria provided, single submitter. Criteria: Ambry Variant Classification Scheme 2023. Collection method: clinical testing. Allele origin: germline.
Comment: The p.S187P variant (also known as c.559T>C), located in coding exon 3 of the TMEM127 gene, results from a T to C substitution at nucleotide position 559. The serine at codon 187 is replaced by proline, an amino acid with similar properties. This amino acid position is conserved. In addition, this alteration is predicted to be deleterious by in silico analysis. Based on the available evidence, the clinical significance of this variant remains unclear.

Labcorp Genetics (formerly Invitae), Labcorp
Classification: Uncertain significance for Hereditary pheochromocytoma and paraganglioma. Last evaluated: 2022-06-13. Review status: criteria provided, single submitter. Criteria: Invitae Variant Classification Sherloc (09022015). Collection method: clinical testing. Allele origin: germline.
Comment: In summary, the available evidence is currently insufficient to determine the role of this variant in disease. Therefore, it has been classified as a Variant of Uncertain Significance. Algorithms developed to predict the effect of missense changes on protein structure and function (SIFT, PolyPhen-2, Align-GVGD) all suggest that this variant is likely to be disruptive. This variant has not been reported in the literature in individuals affected with TMEM127-related conditions. This variant is not present in population databases (gnomAD no frequency). This sequence change replaces serine, which is neutral and polar, with proline, which is neutral and non-polar, at codon 187 of the TMEM127 protein (p.Ser187Pro).